The following is an entry in ClinVar:

NM_182972.3(IRF2BP2):c.1749_1751del (p.Glu584del)

Gene: IRF2BP2 (interferon regulatory factor 2 binding protein 2; minus strand). Cytogenetic location: 1q42.3.
Variant type: Deletion.
Coding change: c.1749_1751del on transcript NM_182972.3 (MANE Select); coding-DNA positions 1749 to 1751, 3 bases deleted (AGA; older notation c.1749_1751delAGA).
Protein change: p.Glu584del; deletes glutamic acid 584.
Genome position (GRCh38, 1-based): chr1:234,607,150-234,607,152, TCT deleted on the plus strand (AGA on the coding strand, the reverse complement: IRF2BP2 is on the minus strand); deleting any 3 consecutive bases within chr1:234,607,150-234,607,153 gives the same sequence; the c. name uses the placement nearest the transcript's 3' end. VCF-style (leftmost placement, unchanged base first): chr1-234607149-CTCT-C. GRCh37 (hg19) VCF-style: chr1-234742895-CTCT-C.
Other names: c.1701_1703del, p.Glu568del (NM_001077397.1); short protein forms E584del, E568del.
Identifiers: ClinVar variation 4767777 (VCV004767777.1).
Genomic context (GRCh38, chr1:234,607,149, plus strand): 5'-GCAGTTTTAATTAAGGGTAATCATTGGGTTTTTCTGAAACCGGAAAAGTCACGAGTCTCT[CTCT>C]TTTTTCACTTTCACATCTCCAGCAAGGATGGTTGCAATTTCCCCTTGCATAAAGGCCCAG-3'

ClinVar aggregate classification (germline): Uncertain significance (1 of 4 stars; one submission).

Submission:

Labcorp Genetics (formerly Invitae), Labcorp
Classification: Uncertain significance. Last evaluated: 2025-07-13. Review status: criteria provided, single submitter. Criteria: Invitae Variant Classification Sherloc (09022015). Collection method: clinical testing. Allele origin: germline.
Comment: This variant, c.1749_1751del, results in the deletion of 1 amino acid(s) of the IRF2BP2 protein (p.Glu584del), but otherwise preserves the integrity of the reading frame. This variant is not present in population databases (gnomAD no frequency). This variant has not been reported in the literature in individuals affected with IRF2BP2-related conditions. Experimental studies and prediction algorithms are not available or were not evaluated, and the functional significance of this variant is currently unknown. In summary, the available evidence is currently insufficient to determine the role of this variant in disease. Therefore, it has been classified as a Variant of Uncertain Significance.